The following is an entry in ClinVar:

ClinVar aggregate classification (germline): Uncertain significance (1 of 4 stars; one submission).

Allele frequency attached by ClinVar (database versions not stated): TOPMed below 0.00001.

Submission:

Labcorp Genetics (formerly Invitae), Labcorp
Classification: Uncertain significance. Last evaluated: 2022-12-20. Review status: criteria provided, single submitter. Criteria: Invitae Variant Classification Sherloc (09022015). Collection method: clinical testing. Allele origin: germline.
Comment: In summary, the available evidence is currently insufficient to determine the role of this variant in disease. Therefore, it has been classified as a Variant of Uncertain Significance. Advanced modeling of protein sequence and biophysical properties (such as structural, functional, and spatial information, amino acid conservation, physicochemical variation, residue mobility, and thermodynamic stability) performed at Invitae indicates that this missense variant is expected to disrupt CSF2RB protein function. This variant has not been reported in the literature in individuals affected with CSF2RB-related conditions. This sequence change replaces aspartic acid, which is acidic and polar, with valine, which is neutral and non-polar, at codon 352 of the CSF2RB protein (p.Asp352Val). This variant is not present in population databases (gnomAD no frequency).

NM_000395.3(CSF2RB):c.1055A>T (p.Asp352Val)

Gene: CSF2RB (colony stimulating factor 2 receptor subunit beta; plus strand). Cytogenetic location: 22q12.3.
Variant type: single nucleotide variant.
Coding change: c.1055A>T on transcript NM_000395.3 (MANE Select); coding-DNA position 1055, A replaced by T.
Protein change: p.Asp352Val; replaces aspartic acid 352 with valine.
Molecular consequence: missense variant.
Genome position (GRCh38, 1-based): chr22:36,932,807, A>T. VCF-style: chr22-36932807-A-T. GRCh37 (hg19) VCF-style: chr22-37328849-A-T.
Other names: c.1073A>T, p.Asp358Val (NM_001410827.1); short protein forms D352V, D358V.
Identifiers: ClinVar variation 2967390 (VCV002967390.3), dbSNP rs1941178103, ClinGen allele CA411408563.